The following is an entry in ClinVar:

ClinVar aggregate classification (germline): Uncertain significance (1 of 4 stars; one submission).

Conditions:
Senior-Loken syndrome 7 (SLSN7). Identifiers: Orphanet 3156, MedGen C3150877, MONDO:0013326, OMIM 613615.
Bardet-Biedl syndrome 16 (BBS16). Identifiers: Orphanet 110, MedGen C3889474, MONDO:0014444, OMIM 615993.

Allele frequency attached by ClinVar (database versions not stated): gnomAD exomes below 0.00001.
gnomAD v4.1: 1 of 1,612,292 alleles (0.000062%); highest among the groups gnomAD compares: Non-Finnish European, 0.000085%; no homozygotes.

Submission:

Labcorp Genetics (formerly Invitae), Labcorp
Classification: Uncertain significance for Bardet-Biedl syndrome 16; Senior-Loken syndrome 7. Last evaluated: 2021-08-26. Review status: criteria provided, single submitter. Criteria: Invitae Variant Classification Sherloc (09022015). Collection method: clinical testing. Allele origin: germline.
Comment: In summary, the available evidence is currently insufficient to determine the role of this variant in disease. Therefore, it has been classified as a Variant of Uncertain Significance. Algorithms developed to predict the effect of missense changes on protein structure and function (SIFT, PolyPhen-2, Align-GVGD) all suggest that this variant is likely to be tolerated. This variant has not been reported in the literature in individuals affected with SDCCAG8-related conditions. This variant is not present in population databases (ExAC no frequency). This sequence change replaces methionine with isoleucine at codon 708 of the SDCCAG8 protein (p.Met708Ile). The methionine residue is moderately conserved and there is a small physicochemical difference between methionine and isoleucine.

NM_006642.5(SDCCAG8):c.2124G>A (p.Met708Ile)

Genes: AKT3 (AKT serine/threonine kinase 3; minus strand), SDCCAG8 (SHH signaling and ciliogenesis regulator SDCCAG8; plus strand). Cytogenetic location: 1q43.
Variant type: single nucleotide variant.
Coding change: c.2124G>A on transcript NM_006642.5 (MANE Select); coding-DNA position 2124, G replaced by A.
Protein change: p.Met708Ile; replaces methionine 708 with isoleucine.
Molecular consequence: missense variant. On other transcripts: synonymous variant (2), 3 prime UTR variant (2).
Genome position (GRCh38, 1-based): chr1:243,499,767, G>A. VCF-style: chr1-243499767-G-A. GRCh37 (hg19) VCF-style: chr1-243663069-G-A.
Other names: c.1374C>T, p.Gly458= (NM_001206729.2, NM_181690.2); c.*5482C>T (NM_001370074.1, NM_005465.7); c.1221G>A, p.Met407Ile (NM_001350246.2, NM_001350247.2, NM_001350251.2); c.2220G>A, p.Met740Ile (NM_001350248.2); c.1830G>A, p.Met610Ile (NM_001350249.2); short protein forms M407I, M740I, M610I, M708I.
Identifiers: ClinVar variation 1413304 (VCV001413304.6), dbSNP rs1669058410, ClinGen allele CA345668296.
Genomic context (GRCh38, chr1:243,499,767, plus strand): 5'-CATTGAAGAACATGAGCTATTGAAACTTACTTTTTATTATTTTTTCCAGTTACCCAGCAT[G>A]CCACAATCTGATTGCTGACCTGGATGGAACAGAGTGAAATAAATGATTTACAAAGAGATA-3'
Protein context (NP_006633.1, residues 698-713): VDRLRTQLPS[Met708Ile]PQSDC